The following is an entry in ClinVar:

NM_005529.7(HSPG2):c.13004-5G>A

Genes: LDLRAD2 (low density lipoprotein receptor class A domain containing 2; plus strand), HSPG2 (heparan sulfate proteoglycan 2; minus strand). Cytogenetic location: 1p36.12.
Variant type: single nucleotide variant.
Coding change: c.13004-5G>A on transcript NM_005529.7 (MANE Select); 5 bases into the intron before coding-DNA position 13004, G replaced by A.
Molecular consequence: intron variant. On other transcripts: 3 prime UTR variant (1).
Genome position (GRCh38, 1-based): chr1:21,823,493, C>T on the plus strand (G>A on the coding strand, the complement: HSPG2 is on the minus strand). VCF-style: chr1-21823493-C-T. GRCh37 (hg19) VCF-style: chr1-22149986-C-T.
Other names: c.*1278C>T (NM_001013693.3); c.13007-5G>A (NM_001291860.2).
Identifiers: ClinVar variation 295697 (VCV000295697.28), dbSNP rs376645617, ClinGen allele CA669155.

ClinVar aggregate classification (germline): Conflicting classifications of pathogenicity. Review status: criteria provided, conflicting classifications (1 of 4 stars). 9 submissions from 8 submitters: Uncertain significance (8); Likely benign (1). Last evaluated 2026-01-15.

Conditions:
Connective tissue disorder. Also called: Connective tissue disease. Identifiers: MedGen C0009782, MONDO:0003900.
Lethal Kniest-like syndrome (DDSH). Also called: Dyssegmental Dysplasia. Identifiers: Orphanet 1865, MedGen C1857100, MONDO:0009140, OMIM 224410.
Schwartz-Jampel syndrome type 1 (SJS1). Also called: MYOTONIC MYOPATHY, DWARFISM, CHONDRODYSTROPHY, AND OCULAR AND FACIAL ABNORMALITIES; CHONDRODYSTROPHIC MYOTONIA. Identifiers: MedGen C4551479, MONDO:0100435, OMIM 255800.
Inborn genetic diseases. Identifiers: MedGen C0950123, MeSH D030342.
Schwartz-Jampel syndrome. Also called: Myotonic myopathy dwarfism chondrodystrophy and ocular and facial abnormalities. Identifiers: Orphanet 800, MedGen C0036391, MONDO:0009717.

Allele frequency attached by ClinVar (database versions not stated): 1000 Genomes Project 30x 0.00016; 1000 Genomes Project 0.00020; gnomAD 0.00031 and 0.00032; ESP Exome Variant Server 0.00038; TOPMed 0.00040.
gnomAD v4.1: 536 of 1,604,492 alleles (0.033%); highest among the groups gnomAD compares: Non-Finnish European, 0.038%; no homozygotes.

Submissions (10):

Labcorp Genetics (formerly Invitae), Labcorp
Classification: Likely benign. Last evaluated: 2026-01-15. Review status: criteria provided, single submitter. Criteria: Invitae Variant Classification Sherloc (09022015). Collection method: clinical testing. Allele origin: germline.

GeneDx
Classification: Uncertain significance. Last evaluated: 2025-04-15. Review status: criteria provided, single submitter. Criteria: GeneDx Variant Classification Process June 2021. Collection method: clinical testing. Allele origin: germline. Affected: yes.
Comment: In silico analysis supports a deleterious effect on splicing; Has not been previously published as pathogenic or benign to our knowledge

Fulgent Genetics
Classification: Uncertain significance for Lethal Kniest-like syndrome; Schwartz-Jampel syndrome type 1. Last evaluated: 2024-01-11. Review status: criteria provided, single submitter. Criteria: ACMG Guidelines, 2015. Collection method: clinical testing. Allele origin: germline.

Ambry Genetics
Classification: Uncertain significance for Inborn genetic diseases. Last evaluated: 2022-06-10. Review status: criteria provided, single submitter. Criteria: Ambry Variant Classification Scheme 2023. Collection method: clinical testing. Allele origin: germline.
Comment: The c.13004-5G>A intronic alteration consists of a G to A substitution 5 nucleotides before coding exon 96 in the HSPG2 gene. Based on insufficient or conflicting evidence, the clinical significance of this alteration remains unclear.

Athena Diagnostics
Classification: Uncertain significance. Last evaluated: 2020-11-17. Review status: criteria provided, single submitter. Criteria: Athena Diagnostics criteria. Collection method: clinical testing. Allele origin: unknown.

AiLife Diagnostics
Classification: Uncertain significance. Last evaluated: 2020-07-21. Review status: criteria provided, single submitter. Criteria: ACMG Guidelines, 2015. Collection method: clinical testing. Allele origin: germline. Affected: yes. Observed: 1 variant allele.

Genome Diagnostics Laboratory, The Hospital for Sick Children
Classification: Uncertain significance for Connective tissue disorder. Last evaluated: 2020-06-01. Review status: criteria provided, single submitter. Criteria: ACMG Guidelines, 2015. Collection method: clinical testing. Allele origin: germline.

Illumina Laboratory Services, Illumina
Classification: Uncertain significance for Schwartz-Jampel syndrome type 1. Last evaluated: 2018-01-12. Review status: criteria provided, single submitter. Criteria: ICSL Variant Classification Criteria 13 December 2019. Collection method: clinical testing. Allele origin: germline.

Illumina Laboratory Services, Illumina
Classification: Uncertain significance for Lethal Kniest-like syndrome. Last evaluated: 2018-01-12. Review status: criteria provided, single submitter. Criteria: ICSL Variant Classification Criteria 13 December 2019. Collection method: clinical testing. Allele origin: germline.

Dr. Peter K. Rogan Lab, Western University
No classification provided (evidence only). Condition: Malignant tumor of esophagus. Review status: no classification provided. Collection method: in vitro. Allele origin: not applicable. Functional consequence: retained intron. Not counted in ClinVar's aggregate classification.